The following is an entry in ClinVar:

NM_006389.5(HYOU1):c.2900G>A (p.Gly967Glu)

Gene: HYOU1 (hypoxia up-regulated 1; minus strand). Cytogenetic location: 11q23.3.
Variant type: single nucleotide variant.
Coding change: c.2900G>A on transcript NM_006389.5 (MANE Select); coding-DNA position 2900, G replaced by A.
Protein change: p.Gly967Glu; replaces glycine 967 with glutamic acid.
Molecular consequence: missense variant.
Genome position (GRCh38, 1-based): chr11:119,045,819, C>T on the plus strand (G>A on the coding strand, the complement: HYOU1 is on the minus strand). VCF-style: chr11-119045819-C-T. GRCh37 (hg19) VCF-style: chr11-118916531-C-T.
Other names: c.2900G>A (NM_006389.3); c.2900G>A, p.Gly967Glu (NM_001130991.3); c.2903G>A, p.Gly968Glu (NM_001411041.1); short protein forms G968E, G967E.
Identifiers: ClinVar variation 1917493 (VCV001917493.6), dbSNP rs1272622887, ClinGen allele CA382916964.

ClinVar aggregate classification (germline): Uncertain significance. Review status: criteria provided, multiple submitters, no conflicts (2 of 4 stars). 2 submissions from 2 submitters: Uncertain significance (2). Last evaluated 2025-05-19.

Allele frequency attached by ClinVar (database versions not stated): TOPMed below 0.00001; gnomAD 0.00001.
gnomAD v4.1: 1 of 1,612,640 alleles (0.000062%); highest among the groups gnomAD compares: African/African-American, 0.0013%; no homozygotes.

Submissions (2):

Ambry Genetics
Classification: Uncertain significance. Last evaluated: 2025-05-19. Review status: criteria provided, single submitter. Criteria: Ambry Variant Classification Scheme 2023. Collection method: clinical testing. Allele origin: germline.

Labcorp Genetics (formerly Invitae), Labcorp
Classification: Uncertain significance. Last evaluated: 2024-09-30. Review status: criteria provided, single submitter. Criteria: Invitae Variant Classification Sherloc (09022015). Collection method: clinical testing. Allele origin: germline.
Comment: This sequence change replaces glycine, which is neutral and non-polar, with glutamic acid, which is acidic and polar, at codon 967 of the HYOU1 protein (p.Gly967Glu). This variant is not present in population databases (gnomAD no frequency). This variant has not been reported in the literature in individuals affected with HYOU1-related conditions. ClinVar contains an entry for this variant (Variation ID: 1917493). An algorithm developed to predict the effect of missense changes on protein structure and function outputs the following: PolyPhen-2: "Benign". The glutamic acid amino acid residue is found in multiple mammalian species, which suggests that this missense change does not adversely affect protein function. In summary, the available evidence is currently insufficient to determine the role of this variant in disease. Therefore, it has been classified as a Variant of Uncertain Significance.